The following is an entry in ClinVar:

NM_152393.4(KLHL40):c.1761C>G (p.Asn587Lys)

Gene: KLHL40 (kelch like family member 40; plus strand). Cytogenetic location: 3p22.1.
Variant type: single nucleotide variant.
Coding change: c.1761C>G on transcript NM_152393.4 (MANE Select); coding-DNA position 1761, C replaced by G.
Protein change: p.Asn587Lys; replaces asparagine 587 with lysine.
Molecular consequence: missense variant.
Genome position (GRCh38, 1-based): chr3:42,691,888, C>G. VCF-style: chr3-42691888-C-G. GRCh37 (hg19) VCF-style: chr3-42733380-C-G.
Other names: short protein forms N587K.
Identifiers: ClinVar variation 574846 (VCV000574846.8), dbSNP rs34020089, ClinGen allele CA2337089.

ClinVar aggregate classification (germline): Uncertain significance. Review status: criteria provided, multiple submitters, no conflicts (2 of 4 stars). 2 submissions from 2 submitters: Uncertain significance (2). Last evaluated 2025-12-19.

Conditions:
Nemaline myopathy 8 (NEM8). Also called: Nemaline myopathy 8, autosomal recessive. Identifiers: Orphanet 171430, MedGen C3809209, MONDO:0014138, OMIM 615348.

Allele frequency attached by ClinVar (database versions not stated): TOPMed 0.00002.
gnomAD v4.1: 20 of 1,602,918 alleles (0.0012%); highest among the groups gnomAD compares: African/African-American, 0.021%; no homozygotes.

Submissions (2):

GeneDx
Classification: Uncertain significance. Last evaluated: 2025-12-19. Review status: criteria provided, single submitter. Criteria: GeneDx Variant Classification Process June 2021. Collection method: clinical testing. Allele origin: germline. Affected: yes.
Comment: In silico analysis suggests that this missense variant does not alter protein structure/function; Has not been previously published as pathogenic or benign to our knowledge

Labcorp Genetics (formerly Invitae), Labcorp
Classification: Uncertain significance for Nemaline myopathy 8. Last evaluated: 2022-06-04. Review status: criteria provided, single submitter. Criteria: Invitae Variant Classification Sherloc (09022015). Collection method: clinical testing. Allele origin: germline.
Comment: This sequence change replaces asparagine, which is neutral and polar, with lysine, which is basic and polar, at codon 587 of the KLHL40 protein (p.Asn587Lys). This variant is present in population databases (rs34020089, gnomAD 0.02%). In summary, the available evidence is currently insufficient to determine the role of this variant in disease. Therefore, it has been classified as a Variant of Uncertain Significance. Algorithms developed to predict the effect of missense changes on protein structure and function are either unavailable or do not agree on the potential impact of this missense change (SIFT: "Deleterious"; PolyPhen-2: "Benign"; Align-GVGD: "Class C0"). ClinVar contains an entry for this variant (Variation ID: 574846). This variant has not been reported in the literature in individuals affected with KLHL40-related conditions.